The following is an entry in ClinVar:

ClinVar aggregate classification (germline): Uncertain significance. Review status: criteria provided, multiple submitters, no conflicts (2 of 4 stars). 8 submissions from 8 submitters: Uncertain significance (8). Last evaluated 2026-02-01.

Conditions:
Dilated cardiomyopathy 2A (CMD2A). Also called: CARDIOMYOPATHY, CONGESTIVE, AUTOSOMAL RECESSIVE; CARDIOMYOPATHY, DILATED, AUTOSOMAL RECESSIVE. Identifiers: Orphanet 154, MedGen C2678474, MONDO:0012746, OMIM 611880.
Dilated cardiomyopathy 1FF (CMD1FF). Identifiers: Orphanet 154, MedGen C2750091, MONDO:0013211, OMIM 613286.
Cardiomyopathy, familial restrictive, 1. Identifiers: Orphanet 75249, MedGen C1861861, MONDO:0007270, OMIM 115210.
Hypertrophic cardiomyopathy 7. Also called: TNNI3-Related Familial Hypertrophic Cardiomyopathy; Familial hypertrophic cardiomyopathy 7; CARDIOMYOPATHY, FAMILIAL HYPERTROPHIC, 7, MODIFIER OF. Identifiers: MedGen C1860752, MONDO:0013369, OMIM 613690.
Cardiomyopathy (CMYO). Also called: Cardiomyopathies. Identifiers: Orphanet 167848, MedGen C0878544, MONDO:0004994, HP:0001638. Inheritance: Various modes of inheritance.
Hypertrophic cardiomyopathy. Also called: HYPERTROPHIC MYOCARDIOPATHY. Identifiers: Orphanet 217569, MedGen C0007194, MeSH D002312, MONDO:0005045, HP:0001639.

Allele frequency attached by ClinVar (database versions not stated): ExAC 0.00001; gnomAD exomes 0.00001 and 0.00002.
gnomAD v4.1: 21 of 1,613,466 alleles (0.0013%); highest among the groups gnomAD compares: South Asian, 0.023%; no homozygotes.

Submissions (8):

Labcorp Genetics (formerly Invitae), Labcorp
Classification: Uncertain significance for Hypertrophic cardiomyopathy. Last evaluated: 2026-02-01. Review status: criteria provided, single submitter. Criteria: Invitae Variant Classification Sherloc (09022015). Collection method: clinical testing. Allele origin: germline.
Comment: This sequence change replaces valine, which is neutral and non-polar, with leucine, which is neutral and non-polar, at codon 147 of the TNNI3 protein (p.Val147Leu). This variant is present in population databases (rs777782551, gnomAD 0.02%). This missense change has been observed in individual(s) with hypertrophic cardiomyopathy (PMID: 24111713, 27532257). ClinVar contains an entry for this variant (Variation ID: 188674). An algorithm developed to predict the effect of missense changes on protein structure and function (PolyPhen-2) suggests that this variant is likely to be disruptive. In summary, the available evidence is currently insufficient to determine the role of this variant in disease. Therefore, it has been classified as a Variant of Uncertain Significance.

Clinical Genetics Laboratory, Skane University Hospital Lund
Classification: Uncertain significance. Last evaluated: 2024-03-20. Review status: criteria provided, single submitter. Criteria: ACMG Guidelines, 2015. Collection method: clinical testing. Allele origin: germline. Affected: yes.

3billion
Classification: Uncertain significance for Hypertrophic cardiomyopathy 7. Last evaluated: 2023-08-02. Review status: criteria provided, single submitter. Criteria: ACMG Guidelines, 2015. Collection method: clinical testing. Allele origin: germline. Affected: yes.
Comment: The variant is observed at an allele frequency greater than expected for the associated disorder in the gnomAD v2.1.1 dataset and therefore considered benign. Predicted Consequence/Location: Missense variant In silico tool predictions suggest damaging effect of the variant on gene or gene product (REVEL: 0.97 (>=0.6, sensitivity 0.68 and specificity 0.92); 3Cnet: 0.99 (>=0.6, sensitivity 0.72 and precision 0.9)). Same nucleotide change resulting in same amino acid change has been previously reported to be associated with TNNI3-related disorder (PMID: 24111713). However, the evidence of pathogenicity is insufficient at this time. Therefore, this variant is classified as VUS according to the recommendation of ACMG/AMP guideline.

All of Us Research Program, National Institutes of Health
Classification: Uncertain significance for Hypertrophic cardiomyopathy. Last evaluated: 2023-04-15. Review status: criteria provided, single submitter. Criteria: ACMG Guidelines, 2015. Collection method: clinical testing. Allele origin: germline. Inheritance: Autosomal dominant inheritance. Observed: 1 variant allele, 1 heterozygote.
Comment: This missense variant replaces valine with leucine at codon 147 of the TNNI3 protein. Computational prediction suggests that this variant may have deleterious impact on protein structure and function (internally defined REVEL score threshold >= 0.7, PMID: 27666373). Splice site prediction tools suggest that this variant may not impact RNA splicing. To our knowledge, functional studies have not been performed for this variant. This variant has been reported in an individual affected with hypertrophic cardiomyopathy (PMID 28971120). This variant has been identified in 6/249028 chromosomes in the general population by the Genome Aggregation Database (gnomAD). The available evidence is insufficient to determine the role of this variant in disease conclusively. Therefore, this variant is classified as a Variant of Uncertain Significance.

This study involves interpretation of variants in research participants for the purpose of population health screening. Participant phenotype was not available at the time of variant classification. Additional details can be found in publication PMID: 35346344, PMCID: PMC8962531

CHEO Genetics Diagnostic Laboratory, Children's Hospital of Eastern Ontario
Classification: Uncertain significance for Cardiomyopathy. Last evaluated: 2023-01-13. Review status: criteria provided, single submitter. Criteria: ACMG Guidelines, 2015. Collection method: clinical testing. Allele origin: germline.

Blueprint Genetics
Classification: Uncertain significance. Last evaluated: 2022-07-07. Review status: criteria provided, single submitter. Criteria: ACMG Guidelines, 2015. Collection method: clinical testing. Allele origin: germline.

Fulgent Genetics
Classification: Uncertain significance for Cardiomyopathy, familial restrictive, 1; Dilated cardiomyopathy 2A; Dilated cardiomyopathy 1FF; Hypertrophic cardiomyopathy 7. Last evaluated: 2021-11-09. Review status: criteria provided, single submitter. Criteria: ACMG Guidelines, 2015. Collection method: clinical testing. Allele origin: unknown.

Color Diagnostics, LLC DBA Color Health
Classification: Uncertain significance for Cardiomyopathy. Last evaluated: 2020-01-15. Review status: criteria provided, single submitter. Criteria: ACMG Guidelines, 2015. Collection method: clinical testing. Allele origin: germline.
Comment: This missense variant replaces valine with leucine at codon 147 of the TNNI3 protein. Computational prediction suggests that this variant may have deleterious impact on protein structure and function (internally defined REVEL score threshold >= 0.7, PMID: 27666373). Splice site prediction tools suggest that this variant may not impact RNA splicing. To our knowledge, functional studies have not been performed for this variant. This variant has been reported in an individual affected with hypertrophic cardiomyopathy (PMID 28971120). This variant has been identified in 6/249028 chromosomes in the general population by the Genome Aggregation Database (gnomAD). The available evidence is insufficient to determine the role of this variant in disease conclusively. Therefore, this variant is classified as a Variant of Uncertain Significance.

Literature cited by the submitters: PubMed 24111713 (cited by Labcorp Genetics (formerly Invitae), Labcorp and 3billion); PubMed 27532257 (cited by Labcorp Genetics (formerly Invitae), Labcorp).

NM_000363.5(TNNI3):c.439G>C (p.Val147Leu)

Gene: TNNI3 (troponin I3, cardiac type; minus strand). Cytogenetic location: 19q13.42.
Variant type: single nucleotide variant.
Coding change: c.439G>C on transcript NM_000363.5 (MANE Select); coding-DNA position 439, G replaced by C.
Protein change: p.Val147Leu; replaces valine 147 with leucine.
Molecular consequence: missense variant.
Genome position (GRCh38, 1-based): chr19:55,154,140, C>G on the plus strand (G>C on the coding strand, the complement: TNNI3 is on the minus strand). VCF-style: chr19-55154140-C-G. GRCh37 (hg19) VCF-style: chr19-55665508-C-G.
Other names: short protein forms V147L.
Identifiers: ClinVar variation 188674 (VCV000188674.18), dbSNP rs777782551, ClinGen allele CA021681.